The following is an entry in ClinVar:

ClinVar aggregate classification (germline): Uncertain significance (1 of 4 stars; one submission).

gnomAD v4.1: 1 of 1,551,134 alleles (0.000064%); highest among the groups gnomAD compares: Non-Finnish European, 0.000087%; no homozygotes.

Submission:

Labcorp Genetics (formerly Invitae), Labcorp
Classification: Uncertain significance. Last evaluated: 2025-07-28. Review status: criteria provided, single submitter. Criteria: Invitae Variant Classification Sherloc (09022015). Collection method: clinical testing. Allele origin: germline.
Comment: This sequence change replaces proline, which is neutral and non-polar, with leucine, which is neutral and non-polar, at codon 1194 of the TET2 protein (p.Pro1194Leu). This variant is not present in population databases (gnomAD no frequency). This variant has not been reported in the literature in individuals affected with TET2-related conditions. An algorithm developed to predict the effect of missense changes on protein structure and function (PolyPhen-2) suggests that this variant is likely to be disruptive. In summary, the available evidence is currently insufficient to determine the role of this variant in disease. Therefore, it has been classified as a Variant of Uncertain Significance.

NM_001127208.3(TET2):c.3581C>T (p.Pro1194Leu)

Genes: TET2 (tet methylcytosine dioxygenase 2; plus strand), TET2-AS1 (TET2 antisense RNA 1; minus strand). Cytogenetic location: 4q24.
Variant type: single nucleotide variant.
Coding change: c.3581C>T on transcript NM_001127208.3 (MANE Select); coding-DNA position 3581, C replaced by T.
Protein change: p.Pro1194Leu; replaces proline 1194 with leucine.
Molecular consequence: missense variant.
Genome position (GRCh38, 1-based): chr4:105,242,914, C>T. VCF-style: chr4-105242914-C-T. GRCh37 (hg19) VCF-style: chr4-106164071-C-T.
Other names: short protein forms P1194L.
Identifiers: ClinVar variation 4705206 (VCV004705206.1).